The following is an entry in ClinVar:

ClinVar aggregate classification (germline): Likely benign. Review status: criteria provided, multiple submitters, no conflicts (2 of 4 stars). 4 submissions from 4 submitters: Likely benign (4). Last evaluated 2026-01-25.

Conditions:
Gastrointestinal stromal tumor. Also called: Gastrointestinal stromal tumor, somatic; Gastrointestinal stroma tumor. Identifiers: Orphanet 44890, MedGen C0238198, MeSH D046152, MONDO:0011719, OMIM 606764, HP:0100723.
Hereditary cancer-predisposing syndrome. Also called: Hereditary neoplastic syndrome; Neoplastic Syndromes, Hereditary; Hereditary Cancer Syndrome; Tumor predisposition. Identifiers: Orphanet 140162, MedGen C0027672, MeSH D009386, MONDO:0015356.
KIT-related disorder. Also called: KIT-related condition.

Allele frequency attached by ClinVar (database versions not stated): gnomAD below 0.00001 and 0.00005; TOPMed below 0.00001; gnomAD exomes 0.00010 and 0.00020; ExAC 0.00017; 1000 Genomes Project 0.00060; 1000 Genomes Project 30x 0.00062.
gnomAD v4.1: 149 of 1,612,300 alleles (0.0092%); highest among the groups gnomAD compares: South Asian, 0.15%; 1 homozygote.

Submissions (4):

Labcorp Genetics (formerly Invitae), Labcorp
Classification: Likely benign for Gastrointestinal stromal tumor. Last evaluated: 2026-01-25. Review status: criteria provided, single submitter. Criteria: Invitae Variant Classification Sherloc (09022015). Collection method: clinical testing. Allele origin: germline.

PreventionGenetics, part of Exact Sciences
Classification: Likely benign for KIT-related condition. Last evaluated: 2024-10-07. Review status: criteria provided, single submitter. Criteria: ACMG Guidelines, 2015. Collection method: clinical testing. Allele origin: germline.
Comment: This variant is classified as likely benign based on ACMG/AMP sequence variant interpretation guidelines (Richards et al. 2015 PMID: 25741868, with internal and published modifications).

CeGaT Center for Human Genetics Tuebingen
Classification: Likely benign. Last evaluated: 2023-04-01. Review status: criteria provided, single submitter. Criteria: CeGaT Center For Human Genetics Tuebingen Variant Classification Criteria Version 2. Collection method: clinical testing. Allele origin: germline. Affected: yes. Observed: 1 variant allele.
Comment: KIT: BP4, BS1

Ambry Genetics
Classification: Likely benign for Hereditary cancer-predisposing syndrome. Last evaluated: 2020-01-08. Review status: criteria provided, single submitter. Criteria: Ambry Variant Classification Scheme 2023. Collection method: clinical testing. Allele origin: germline.

NM_000222.3(KIT):c.2152A>G (p.Thr718Ala)

Gene: KIT (KIT proto-oncogene, receptor tyrosine kinase; plus strand). Cytogenetic location: 4q12.
Variant type: single nucleotide variant.
Coding change: c.2152A>G on transcript NM_000222.3 (MANE Select); coding-DNA position 2152, A replaced by G.
Protein change: p.Thr718Ala; replaces threonine 718 with alanine.
Molecular consequence: missense variant.
Genome position (GRCh38, 1-based): chr4:54,731,338, A>G. VCF-style: chr4-54731338-A-G. GRCh37 (hg19) VCF-style: chr4-55597504-A-G.
Other names: c.2140A>G, p.Thr714Ala (NM_001093772.2, NM_001385292.1); c.2155A>G, p.Thr719Ala (NM_001385284.1); c.2149A>G, p.Thr717Ala (NM_001385285.1); c.2137A>G, p.Thr713Ala (NM_001385286.1); c.2143A>G, p.Thr715Ala (NM_001385288.1); c.2152A>G, p.Thr718Ala (NM_001385290.1); short protein forms T718A, T714A, T713A, T715A, T717A, T719A.
Identifiers: ClinVar variation 458908 (VCV000458908.39), dbSNP rs564307874, ClinGen allele CA2923672.